The following is an entry in ClinVar:

ClinVar aggregate classification (germline): Uncertain significance (1 of 4 stars; one submission).

Submission:

GeneDx
Classification: Uncertain significance. Last evaluated: 2025-06-01. Review status: criteria provided, single submitter. Criteria: GeneDx Variant Classification Process June 2021. Collection method: clinical testing. Allele origin: germline. Affected: yes.
Comment: Not observed at significant frequency in large population cohorts (gnomAD); In silico analysis supports that this missense variant has a deleterious effect on protein structure/function; Has not been previously published as pathogenic or benign to our knowledge

NM_001318852.2(MAPK8IP3):c.2900G>T (p.Ser967Ile)

Gene: MAPK8IP3 (mitogen-activated protein kinase 8 interacting protein 3; plus strand). Cytogenetic location: 16p13.3.
Variant type: single nucleotide variant.
Coding change: c.2900G>T on transcript NM_001318852.2 (MANE Select); coding-DNA position 2900, G replaced by T.
Protein change: p.Ser967Ile; replaces serine 967 with isoleucine.
Molecular consequence: missense variant.
Genome position (GRCh38, 1-based): chr16:1,766,609, G>T. VCF-style: chr16-1766609-G-T. GRCh37 (hg19) VCF-style: chr16-1816610-G-T.
Other names: c.2879G>T, p.Ser960Ile (NM_001040439.2); c.2897G>T, p.Ser966Ile (NM_015133.5); short protein forms S960I, S966I, S967I.
Identifiers: ClinVar variation 4532307 (VCV004532307.1).
Genomic context (GRCh38, chr16:1,766,609, plus strand): 5'-ACAGCAGCAGCACACGGCCAGAGCCAGAGCCCAGCGGGGACCCCACGGGAGCAGGCAGCA[G>T]TGCTGCACCCACCATGTGGCTGGGAGCCCAGAACGGCTGGTAGGAAGGGCCCGGGGCAAG-3'
Protein context (NP_001305781.1, residues 957-977): PSGDPTGAGS[Ser967Ile]AAPTMWLGAQ